The following is an entry in ClinVar:

ClinVar aggregate classification (germline): Uncertain significance (1 of 4 stars; one submission).

Conditions:
Arrhythmogenic right ventricular dysplasia 9 (ARVD9). Also called: Arrhythmogenic Right Ventricular Dysplasia/Cardiomyopathy 9; ARRHYTHMOGENIC RIGHT VENTRICULAR DYSPLASIA, FAMILIAL, 9. Identifiers: MedGen C1836906, MONDO:0012180, OMIM 609040.

Allele frequency attached by ClinVar (database versions not stated): gnomAD exomes below 0.00001.
gnomAD v4.1: 1 of 1,613,490 alleles (0.000062%); highest among the groups gnomAD compares: Non-Finnish European, 0.000085%; no homozygotes.

Submission:

Labcorp Genetics (formerly Invitae), Labcorp
Classification: Uncertain significance for Arrhythmogenic right ventricular dysplasia 9. Last evaluated: 2016-01-29. Review status: criteria provided, single submitter. Criteria: Invitae Variant Classification Sherloc (09022015). Collection method: clinical testing. Allele origin: germline.
Comment: This variant is not present in population databases (ExAC no frequency) and has not been reported in the literature in individuals with a PKP2-related disease. Algorithms developed to predict the effect of missense changes on protein structure and function (SIFT, PolyPhen-2, Align-GVGD) all suggest that this variant is likely to be disruptive, but these predictions have not been confirmed by published functional studies. This sequence change replaces leucine with valine at codon 515 of the PKP2 protein (p.Leu515Val). The leucine residue is highly conserved and there is a small physicochemical difference between leucine and valine. In summary, this is a novel missense change with uncertain impact on protein function. It has been classified as a Variant of Uncertain Significance.

NM_001005242.3(PKP2):c.1411C>G (p.Leu471Val)

Gene: PKP2 (plakophilin 2; minus strand). Cytogenetic location: 12p11.21.
Variant type: single nucleotide variant.
Coding change: c.1411C>G on transcript NM_001005242.3 (MANE Select); coding-DNA position 1411, C replaced by G.
Protein change: p.Leu471Val; replaces leucine 471 with valine.
Molecular consequence: missense variant.
Genome position (GRCh38, 1-based): chr12:32,841,173, G>C on the plus strand (C>G on the coding strand, the complement: PKP2 is on the minus strand). VCF-style: chr12-32841173-G-C. GRCh37 (hg19) VCF-style: chr12-32994107-G-C.
Other names: c.1543C>G, p.Leu515Val (NM_004572.4); short protein forms L515V, L471V.
Identifiers: ClinVar variation 239954 (VCV000239954.8), dbSNP rs878854708, ClinGen allele CA10583046.